The following is an entry in ClinVar:

NM_005609.4(PYGM):c.1488_1489del (p.Cys496_Asn497delinsTer)

Gene: PYGM (glycogen phosphorylase, muscle associated; minus strand). Cytogenetic location: 11q13.1.
Variant type: Deletion.
Coding change: c.1488_1489del on transcript NM_005609.4 (MANE Select); coding-DNA positions 1488 to 1489, 2 bases deleted (TA; older notation c.1488_1489delTA).
Protein change: p.Cys496_Asn497delinsTer.
Molecular consequence: nonsense.
Genome position (GRCh38, 1-based): chr11:64,753,102-64,753,103, TA deleted on the plus strand (TA on the coding strand, the reverse complement: PYGM is on the minus strand). VCF-style (leftmost placement, unchanged base first): chr11-64753101-TTA-T. GRCh37 (hg19) VCF-style: chr11-64520573-TTA-T.
Other names: c.1224_1225del, p.Cys408_Asn409delinsTer (NM_001164716.1).
Identifiers: ClinVar variation 4815430 (VCV004815430.1).

ClinVar aggregate classification (germline): Likely pathogenic (1 of 4 stars; one submission).

Conditions:
Glycogen storage disease, type V (GSD5). Also called: MCARDLE DISEASE; MUSCLE GLYCOGEN PHOSPHORYLASE DEFICIENCY; MYOPHOSPHORYLASE DEFICIENCY; PYGM DEFICIENCY; McArdle type glycogen storage disease. Identifiers: Orphanet 368, MedGen C0017924, MONDO:0009293, OMIM 232600.

Submission:

Natera, Inc.
Classification: Likely pathogenic for Glycogen storage disease V. Last evaluated: 2025-07-18. Review status: criteria provided, single submitter. Criteria: Natera Variant Classification Schema (03/2026). Collection method: clinical testing. Allele origin: germline.
Comment: The c.1488_1489delTA variant in PYGM is a frameshift variant predicted to shift the reading frame and introduce a stop codon. This variant is expected to result in nonsense mediated decay, truncation, or a dysfunctional protein product. This variant is rare in the general population with a frequency below the threshold expected for the associated phenotype(s). Given the available evidence, this variant is classified as Likely Pathogenic.